The following is an entry in ClinVar:

NM_173601.2(GXYLT1):c.63C>T (p.Tyr21=)

Genes: GXYLT1 (glucoside xylosyltransferase 1; minus strand), LOC130007693 (ATAC-STARR-seq lymphoblastoid silent region 4358; plus strand). Cytogenetic location: 12q12.
Variant type: single nucleotide variant.
Coding change: c.63C>T on transcript NM_173601.2 (MANE Select); coding-DNA position 63, C replaced by T.
Protein change: p.Tyr21=; no amino-acid change (tyrosine 21 retained).
Molecular consequence: synonymous variant.
Genome position (GRCh38, 1-based): chr12:42,144,584, G>A on the plus strand (C>T on the coding strand, the complement: GXYLT1 is on the minus strand). VCF-style: chr12-42144584-G-A. GRCh37 (hg19) VCF-style: chr12-42538386-G-A.
Other names: c.63C>T, p.Tyr21= (NM_001099650.2).
Identifiers: ClinVar variation 2642898 (VCV002642898.24), dbSNP rs1159594980, ClinGen allele CA479282579.

ClinVar aggregate classification (germline): Likely benign (1 of 4 stars; one submission).

Submission:

CeGaT Center for Human Genetics Tuebingen
Classification: Likely benign. Last evaluated: 2023-08-01. Review status: criteria provided, single submitter. Criteria: CeGaT Center For Human Genetics Tuebingen Variant Classification Criteria Version 2. Collection method: clinical testing. Allele origin: germline. Affected: yes. Observed: 1 variant allele.
Comment: GXYLT1: BP4, BP7